The following is an entry in ClinVar:

NM_177438.3(DICER1):c.2468G>T (p.Gly823Val)

Gene: DICER1 (dicer 1, ribonuclease III; minus strand). Cytogenetic location: 14q32.13.
Variant type: single nucleotide variant.
Coding change: c.2468G>T on transcript NM_177438.3 (MANE Select); coding-DNA position 2468, G replaced by T.
Protein change: p.Gly823Val; replaces glycine 823 with valine.
Molecular consequence: missense variant. On other transcripts: non-coding transcript variant (6).
Genome position (GRCh38, 1-based): chr14:95,108,062, C>A on the plus strand (G>T on the coding strand, the complement: DICER1 is on the minus strand). VCF-style: chr14-95108062-C-A. GRCh37 (hg19) VCF-style: chr14-95574399-C-A.
Other names: c.2468G>T, p.Gly823Val (NM_001195573.1, NM_001271282.3, NM_001291628.2 and 12 more transcripts); c.2186G>T, p.Gly729Val (NM_001395686.1); c.2063G>T, p.Gly688Val (NM_001395687.1, NM_001395688.1, NM_001395689.1 and 2 more transcripts); c.1901G>T, p.Gly634Val (NM_001395691.1); c.785G>T, p.Gly262Val (NM_001395697.1); short protein forms G262V, G634V, G688V, G729V, G823V.
Identifiers: ClinVar variation 3384157 (VCV003384157.1).

ClinVar aggregate classification (germline): Likely pathogenic (1 of 4 stars; one submission).

Conditions:
Pleuropulmonary blastoma (PPB). Identifiers: Orphanet 64742, MedGen C1266144, MONDO:0011014, OMIM 601200, HP:0100528.

Submission:

Department of Medical and Surgical Sciences, University of Bologna
Classification: Likely pathogenic for Pleuropulmonary blastoma. Last evaluated: 2024-12-06. Review status: criteria provided, single submitter. Criteria: ACMG Guidelines, 2015. Collection method: clinical testing. Allele origin: germline. Affected: yes.
Comment: The variant satisfied PM2, PP3 and PP2 criteria. We performed transcript analysis which demonstrated its impact on splicing, allowing to add the PS3 criterion and to classify it as Likely Pathogenic